The following is an entry in ClinVar:

ClinVar aggregate classification (germline): Uncertain significance. Review status: criteria provided, multiple submitters, no conflicts (2 of 4 stars). 2 submissions from 2 submitters: Uncertain significance (2). Last evaluated 2023-12-10.

Conditions:
Autoinflammatory syndrome. Identifiers: Orphanet 93665, MedGen C3890737, MONDO:0019751.
Familial cold autoinflammatory syndrome 2 (FCAS2). Identifiers: Orphanet 247868, MedGen C2673198, MONDO:0012724, OMIM 611762.

Allele frequency attached by ClinVar (database versions not stated): 1000 Genomes Project 30x 0.00016.
gnomAD v4.1: 42 of 1,613,666 alleles (0.0026%); highest among the groups gnomAD compares: Non-Finnish European, 0.0033%; no homozygotes.

Submissions (2):

Labcorp Genetics (formerly Invitae), Labcorp
Classification: Uncertain significance for Familial cold autoinflammatory syndrome 2. Last evaluated: 2023-12-10. Review status: criteria provided, single submitter. Criteria: Invitae Variant Classification Sherloc (09022015). Collection method: clinical testing. Allele origin: germline.
Comment: This sequence change replaces arginine, which is basic and polar, with leucine, which is neutral and non-polar, at codon 753 of the NLRP12 protein (p.Arg753Leu). This variant is present in population databases (rs148745997, gnomAD 0.004%). This variant has not been reported in the literature in individuals affected with NLRP12-related conditions. ClinVar contains an entry for this variant (Variation ID: 1694407). Advanced modeling of protein sequence and biophysical properties (such as structural, functional, and spatial information, amino acid conservation, physicochemical variation, residue mobility, and thermodynamic stability) performed at Invitae indicates that this missense variant is not expected to disrupt NLRP12 protein function with a negative predictive value of 80%. In summary, the available evidence is currently insufficient to determine the role of this variant in disease. Therefore, it has been classified as a Variant of Uncertain Significance.

Genome Diagnostics Laboratory, The Hospital for Sick Children
Classification: Uncertain significance for Autoinflammatory syndrome. Last evaluated: 2019-02-01. Review status: criteria provided, single submitter. Criteria: ACMG Guidelines, 2015. Collection method: clinical testing. Allele origin: germline. Affected: yes.

NM_144687.4(NLRP12):c.2258G>T (p.Arg753Leu)

Gene: NLRP12 (NLR family pyrin domain containing 12; minus strand). Cytogenetic location: 19q13.42.
Variant type: single nucleotide variant.
Coding change: c.2258G>T on transcript NM_144687.4 (MANE Select); coding-DNA position 2258, G replaced by T.
Protein change: p.Arg753Leu; replaces arginine 753 with leucine.
Molecular consequence: missense variant.
Genome position (GRCh38, 1-based): chr19:53,805,436, C>A on the plus strand (G>T on the coding strand, the complement: NLRP12 is on the minus strand). VCF-style: chr19-53805436-C-A. GRCh37 (hg19) VCF-style: chr19-54308690-C-A.
Other names: c.2261G>T, p.Arg754Leu (NM_001277126.2); c.2258G>T, p.Arg753Leu (NM_001277129.1); short protein forms R753L, R754L.
Identifiers: ClinVar variation 1694407 (VCV001694407.6), dbSNP rs148745997, ClinGen allele CA9639132.